The following is an entry in ClinVar:

ClinVar aggregate classification (germline): Benign. Review status: reviewed by expert panel (3 of 4 stars). 5 submissions from 5 submitters: Benign (1). 4 of the submissions do not count toward it. Last evaluated 2019-09-18.

Conditions:
Glanzmann thrombasthenia. Also called: Glanzmann's thrombasthenia; BLEEDING DISORDER, PLATELET-TYPE, 2; THROMBASTHENIA OF GLANZMANN AND NAEGELI; Thrombasthenia; PLATELET GLYCOPROTEIN IIb-IIIa DEFICIENCY. Identifiers: Orphanet 849, MedGen C0040015, MONDO:0100326.
Platelet-type bleeding disorder 16 (BDPLT16). Also called: Bleeding disorder, platelet-type, 16, autosomal dominant. Identifiers: Orphanet 140957, MedGen C5442010, MONDO:0008552, OMIM 187800.
ITGB3-related disorder. Also called: ITGB3-related condition.

Allele frequency attached by ClinVar (database versions not stated): gnomAD 0.00017 and 0.00021; gnomAD exomes 0.00017 and 0.00052; TOPMed 0.00034; ExAC 0.00054; 1000 Genomes Project 0.00060; 1000 Genomes Project 30x 0.00062.
gnomAD v4.1: 289 of 1,614,096 alleles (0.018%); highest among the groups gnomAD compares: East Asian, 0.56%; 1 homozygote.

Submissions (5):

ClinGen Platelet Disorders Variant Curation Expert Panel, ClinGen
Classification: Benign for Glanzmann thrombasthenia. Last evaluated: 2019-09-18. Review status: reviewed by expert panel. Criteria: ClinGen Platelet ACMG Specifications v2. Collection method: curation. Allele origin: germline. Inheritance: Autosomal recessive inheritance.
Comment: This missense, c.1960G>A (p.Glu654Lys) variant occurs at an overall allele frequency in gnomAD of 0.0006917 with a MAF of 0.0005056 (138/19954 alleles, including 1 homozygote) in the East Asian population. Computational evidence does not support a deleterious effect on the gene/gene product. This variant meets criteria to be classified as Benign by the ClinGen Platelet Disorders VCEP. GT-specific criteria met: BA1.

Labcorp Genetics (formerly Invitae), Labcorp
Classification: Likely benign. Last evaluated: 2026-01-15. Review status: criteria provided, single submitter. Criteria: Invitae Variant Classification Sherloc (09022015). Collection method: clinical testing. Allele origin: germline. Not counted in ClinVar's aggregate classification.

Illumina Laboratory Services, Illumina
Classification: Likely benign for Glanzmann thrombasthenia 1. Last evaluated: 2017-04-28. Review status: criteria provided, single submitter. Criteria: ICSL Variant Classification Criteria 13 December 2019. Collection method: clinical testing. Allele origin: germline. Not counted in ClinVar's aggregate classification.
Comment: This variant was observed as part of a predisposition screen in an ostensibly healthy population. A literature search was performed for the gene, cDNA change, and amino acid change (where applicable). Publications were found based on this search. The evidence from the literature, in combination with allele frequency data from public databases where available, was sufficient to determine this variant is unlikely to cause disease. Therefore, this variant is classified as likely benign.

Soonchunhyang University Bucheon Hospital, Soonchunhyang University Medical Center
Classification: Uncertain significance for Platelet-type bleeding disorder 16; Glanzmann thrombasthenia 1. Last evaluated: 2016-03-18. Review status: criteria provided, single submitter. Criteria: ACMG Guidelines, 2015. Collection method: reference population. Allele origin: germline. Observed: 3 variant alleles. Not counted in ClinVar's aggregate classification.

PreventionGenetics, part of Exact Sciences
Classification: Likely benign for ITGB3-related condition. Last evaluated: 2023-04-18. Review status: no assertion criteria provided. Collection method: clinical testing. Allele origin: germline. Not counted in ClinVar's aggregate classification.
Comment: This variant is classified as likely benign based on ACMG/AMP sequence variant interpretation guidelines (Richards et al. 2015 PMID: 25741868, with internal and published modifications).

Literature cited by the submitters: PubMed 22490273 (cited by Illumina Laboratory Services, Illumina); PubMed 19821948 (cited by Illumina Laboratory Services, Illumina and Soonchunhyang University Bucheon Hospital, Soonchunhyang University Medical Center); PubMed 21287507 (cited by Illumina Laboratory Services, Illumina); PubMed 20804530 (cited by Illumina Laboratory Services, Illumina); PubMed 22862885 (cited by Illumina Laboratory Services, Illumina); PubMed 24617330 (cited by Illumina Laboratory Services, Illumina); PubMed 19570064 (cited by Illumina Laboratory Services, Illumina).

NM_000212.3(ITGB3):c.1960G>A (p.Glu654Lys)

Gene: ITGB3 (integrin subunit beta 3; plus strand). Cytogenetic location: 17q21.32.
Variant type: single nucleotide variant.
Coding change: c.1960G>A on transcript NM_000212.3 (MANE Select); coding-DNA position 1960, G replaced by A.
Protein change: p.Glu654Lys; replaces glutamic acid 654 with lysine.
Molecular consequence: missense variant.
Genome position (GRCh38, 1-based): chr17:47,300,524, G>A. VCF-style: chr17-47300524-G-A. GRCh37 (hg19) VCF-style: chr17-45377890-G-A.
Other names: c.1960G>A (NM_000212.2); short protein forms E654K.
Identifiers: ClinVar variation 225395 (VCV000225395.17), dbSNP rs70940817, ClinGen allele CA8623406.